The following is an entry in ClinVar:

ClinVar aggregate classification (germline): Conflicting classifications of pathogenicity. Review status: criteria provided, conflicting classifications (1 of 4 stars). 5 submissions from 5 submitters: Uncertain significance (2); Likely benign (1). 2 of the submissions do not count toward it. Last evaluated 2026-01-26.

Conditions:
Autosomal recessive congenital ichthyosis 1 (LI1). Also called: ICHTHYOSIS CONGENITA; ICHTHYOSIS CONGENITA II; LAMELLAR EXFOLIATION OF NEWBORN; COLLODION FETUS; DESQUAMATION OF NEWBORN; ICHTHYOSIS, CONGENITAL, AUTOSOMAL RECESSIVE 1, WITH BATHING SUIT DISTRIBUTION. Identifiers: MedGen C4551630, MONDO:0009441, OMIM 242300.

Allele frequency attached by ClinVar (database versions not stated): gnomAD exomes 0.00015 and 0.00024; ExAC 0.00023; gnomAD 0.00025; TOPMed 0.00028; 1000 Genomes Project 0.00080; 1000 Genomes Project 30x 0.00094.
gnomAD v4.1: 274 of 1,613,652 alleles (0.017%); highest among the groups gnomAD compares: Admixed American, 0.11%; 1 homozygote.

Submissions (5):

Labcorp Genetics (formerly Invitae), Labcorp
Classification: Likely benign. Last evaluated: 2026-01-26. Review status: criteria provided, single submitter. Criteria: Invitae Variant Classification Sherloc (09022015). Collection method: clinical testing. Allele origin: germline.

GeneDx
Classification: Uncertain significance. Last evaluated: 2023-08-16. Review status: criteria provided, single submitter. Criteria: GeneDx Variant Classification Process June 2021. Collection method: clinical testing. Allele origin: germline. Affected: yes.
Comment: Observed with a non-coding TGM1 variant on the opposite allele (in trans) in a patient with congenital ichthyosis reported in the published literature (Cserhalmi-Friedman et al., 2001); In silico analysis supports that this missense variant does not alter protein structure/function; This variant is associated with the following publications: (PMID: 11298529)

Genomic Research Center, Shahid Beheshti University of Medical Sciences
Classification: Uncertain significance for Autosomal recessive congenital ichthyosis 1. Last evaluated: 2019-04-27. Review status: criteria provided, single submitter. Criteria: ACMG Guidelines, 2015. Collection method: clinical testing. Allele origin: inherited. Affected: yes.

Counsyl
Classification: Uncertain significance for Autosomal recessive congenital ichthyosis 1. Last evaluated: 2017-01-11. Review status: no assertion criteria provided. Collection method: clinical testing. Allele origin: unknown. Not counted in ClinVar's aggregate classification.

OMIM
Classification: Pathogenic for ICHTHYOSIS, CONGENITAL, AUTOSOMAL RECESSIVE 1. Last evaluated: 2001-04-01. Review status: no assertion criteria provided. Collection method: literature only. Allele origin: germline. Not counted in ClinVar's aggregate classification.

Literature cited by the submitters: PubMed 11298529 (cited by Counsyl and OMIM).

NM_000359.3(TGM1):c.281G>A (p.Gly94Asp)

Gene: TGM1 (transglutaminase 1; minus strand). Cytogenetic location: 14q12.
Variant type: single nucleotide variant.
Coding change: c.281G>A on transcript NM_000359.3 (MANE Select); coding-DNA position 281, G replaced by A.
Protein change: p.Gly94Asp; replaces glycine 94 with aspartic acid.
Molecular consequence: missense variant.
Genome position (GRCh38, 1-based): chr14:24,262,072, C>T on the plus strand (G>A on the coding strand, the complement: TGM1 is on the minus strand). VCF-style: chr14-24262072-C-T. GRCh37 (hg19) VCF-style: chr14-24731278-C-T.
Other names: short protein forms G94D.
Identifiers: ClinVar variation 12497 (VCV000012497.13), dbSNP rs121918729, ClinGen allele CA256474.